The following is an entry in ClinVar:

NM_004612.4(TGFBR1):c.741G>A (p.Glu247=)

Gene: TGFBR1 (transforming growth factor beta receptor 1; plus strand). Cytogenetic location: 9q22.33.
Variant type: single nucleotide variant.
Coding change: c.741G>A on transcript NM_004612.4 (MANE Select); coding-DNA position 741, G replaced by A.
Protein change: p.Glu247=; no amino-acid change (glutamic acid 247 retained).
Molecular consequence: synonymous variant.
Genome position (GRCh38, 1-based): chr9:99,138,025, G>A. VCF-style: chr9-99138025-G-A. GRCh37 (hg19) VCF-style: chr9-101900307-G-A.
Other names: c.510G>A, p.Glu170= (NM_001130916.3); c.753G>A, p.Glu251= (NM_001306210.2).
Identifiers: ClinVar variation 508541 (VCV000508541.3), dbSNP rs764165477, ClinGen allele CA042798.
Genomic context (GRCh38, chr9:99,138,025, plus strand): 5'-AGAAGTTGCTGTTAAGATATTCTCCTCTAGAGAAGAACGTTCGTGGTTCCGTGAGGCAGA[G>A]ATTTATCAAACTGTAATGTTACGTCATGAAAACATCCTGGGATTTATAGCAGCAGACAAT-3'
Protein context (NP_004603.1, residues 237-257): REERSWFREA[Glu247=]IYQTVMLRHE

ClinVar aggregate classification (germline): Likely benign. Review status: criteria provided, multiple submitters, no conflicts (2 of 4 stars). 2 submissions from 2 submitters: Likely benign (2). Last evaluated 2020-10-19.

Conditions:
Familial thoracic aortic aneurysm and aortic dissection (TAAD). Also called: Thoracic aortic aneurysms and dissections. Identifiers: Orphanet 91387, MedGen C4707243, MONDO:0019625.

Allele frequency attached by ClinVar (database versions not stated): gnomAD exomes below 0.00001 and 0.00001; ExAC 0.00001.
gnomAD v4.1: 9 of 1,614,062 alleles (0.00056%); highest among the groups gnomAD compares: Non-Finnish European, 0.00076%; no homozygotes.

Submissions (2):

Color Diagnostics, LLC DBA Color Health
Classification: Likely benign for Familial thoracic aortic aneurysm and aortic dissection. Last evaluated: 2020-10-19. Review status: criteria provided, single submitter. Criteria: ACMG Guidelines, 2015. Collection method: clinical testing. Allele origin: germline.

GeneDx
Classification: Likely benign. Last evaluated: 2017-04-05. Review status: criteria provided, single submitter. Criteria: GeneDx Variant Classification (06012015). Collection method: clinical testing. Allele origin: germline. Affected: yes.
Comment: This variant is considered likely benign or benign based on one or more of the following criteria: it is a conservative change, it occurs at a poorly conserved position in the protein, it is predicted to be benign by multiple in silico algorithms, and/or has population frequency not consistent with disease.